The following is an entry in ClinVar:

ClinVar aggregate classification (germline): Uncertain significance (1 of 4 stars; one submission).

Conditions:
Disseminated atypical mycobacterial infection. Identifiers: MedGen C0694566.

Submission:

Labcorp Genetics (formerly Invitae), Labcorp
Classification: Uncertain significance for Disseminated atypical mycobacterial infection. Last evaluated: 2023-06-16. Review status: criteria provided, single submitter. Criteria: Invitae Variant Classification Sherloc (09022015). Collection method: clinical testing. Allele origin: germline.
Comment: This sequence change replaces leucine, which is neutral and non-polar, with phenylalanine, which is neutral and non-polar, at codon 4 of the IFNGR1 protein (p.Leu4Phe). This variant is not present in population databases (gnomAD no frequency). This variant has not been reported in the literature in individuals affected with IFNGR1-related conditions. In summary, the available evidence is currently insufficient to determine the role of this variant in disease. Therefore, it has been classified as a Variant of Uncertain Significance. Algorithms developed to predict the effect of missense changes on protein structure and function output the following: SIFT: "Not Available"; PolyPhen-2: "Benign"; Align-GVGD: "Not Available". The phenylalanine amino acid residue is found in multiple mammalian species, which suggests that this missense change does not adversely affect protein function.

NM_000416.3(IFNGR1):c.10C>T (p.Leu4Phe)

Gene: IFNGR1 (interferon gamma receptor 1; minus strand). Cytogenetic location: 6q23.3.
Variant type: single nucleotide variant.
Coding change: c.10C>T on transcript NM_000416.3 (MANE Select); coding-DNA position 10, C replaced by T.
Protein change: p.Leu4Phe; replaces leucine 4 with phenylalanine.
Molecular consequence: missense variant.
Genome position (GRCh38, 1-based): chr6:137,219,318, G>A on the plus strand (C>T on the coding strand, the complement: IFNGR1 is on the minus strand). VCF-style: chr6-137219318-G-A. GRCh37 (hg19) VCF-style: chr6-137540455-G-A.
Other names: short protein forms L4F.
Identifiers: ClinVar variation 3005755 (VCV003005755.3), dbSNP rs1327532084, ClinGen allele CA365776533.
Genomic context (GRCh38, chr6:137,219,318, plus strand): 5'-GATCCGCGGTGCCCATCTCAGCCCTGCTCACACCCTGCATGACAAGGGGTAGGAGAAAGA[G>A]GAGAGCCATGCTGCTACCGACGGTCGCTGGCTCCAACCCCGAGCGCCTGCGGGACCAGCC-3'
Protein context (NP_000407.1, residues 1-14): MAL[Leu4Phe]FLLPLVMQGV